The following is an entry in ClinVar:

NM_001330078.2(NRXN1):c.22C>A (p.Arg8Ser)

Gene: NRXN1 (neurexin 1; minus strand). Cytogenetic location: 2p16.3.
Variant type: single nucleotide variant.
Coding change: c.22C>A on transcript NM_001330078.2 (MANE Select); coding-DNA position 22, C replaced by A.
Protein change: p.Arg8Ser; replaces arginine 8 with serine.
Molecular consequence: missense variant.
Genome position (GRCh38, 1-based): chr2:51,028,252, G>T on the plus strand (C>A on the coding strand, the complement: NRXN1 is on the minus strand). VCF-style: chr2-51028252-G-T. GRCh37 (hg19) VCF-style: chr2-51255390-G-T.
Other names: c.22C>A, p.Arg8Ser (NM_001330079.2, NM_001330081.2, NM_001330082.2 and 15 more transcripts); short protein forms R8S.
Identifiers: ClinVar variation 2839038 (VCV002839038.3), dbSNP rs1054998116, ClinGen allele CA346824868.

ClinVar aggregate classification (germline): Uncertain significance (1 of 4 stars; one submission).

Conditions:
Pitt-Hopkins-like syndrome 2 (PTHSL2). Identifiers: Orphanet 221150, Orphanet 600663, MedGen C3280479, MONDO:0013690, OMIM 614325.

Submission:

Labcorp Genetics (formerly Invitae), Labcorp
Classification: Uncertain significance for Pitt-Hopkins-like syndrome 2. Last evaluated: 2023-02-24. Review status: criteria provided, single submitter. Criteria: Invitae Variant Classification Sherloc (09022015). Collection method: clinical testing. Allele origin: germline.
Comment: An algorithm developed to predict the effect of missense changes on protein structure and function (PolyPhen-2) suggests that this variant is likely to be disruptive. In summary, the available evidence is currently insufficient to determine the role of this variant in disease. Therefore, it has been classified as a Variant of Uncertain Significance. This variant has not been reported in the literature in individuals affected with NRXN1-related conditions. This variant is not present in population databases (gnomAD no frequency). This sequence change replaces arginine, which is basic and polar, with serine, which is neutral and polar, at codon 8 of the NRXN1 protein (p.Arg8Ser).